The following is an entry in ClinVar:

ClinVar aggregate classification (germline): Uncertain significance (1 of 4 stars; one submission).

Allele frequency attached by ClinVar (database versions not stated): gnomAD exomes below 0.00001; TOPMed below 0.00001; ExAC 0.00001.
gnomAD v4.1: 5 of 1,614,036 alleles (0.00031%); highest among the groups gnomAD compares: Middle Eastern, 0.016%; no homozygotes.

Submission:

Labcorp Genetics (formerly Invitae), Labcorp
Classification: Uncertain significance. Last evaluated: 2022-08-22. Review status: criteria provided, single submitter. Criteria: Invitae Variant Classification Sherloc (09022015). Collection method: clinical testing. Allele origin: germline.
Comment: In summary, the available evidence is currently insufficient to determine the role of this variant in disease. Therefore, it has been classified as a Variant of Uncertain Significance. Algorithms developed to predict the effect of missense changes on protein structure and function are either unavailable or do not agree on the potential impact of this missense change (SIFT: "Tolerated"; PolyPhen-2: "Probably Damaging"; Align-GVGD: "Class C0"). This variant has not been reported in the literature in individuals affected with GPR179-related conditions. This variant is present in population databases (rs756525313, gnomAD 0.0009%). This sequence change replaces proline, which is neutral and non-polar, with threonine, which is neutral and polar, at codon 1322 of the GPR179 protein (p.Pro1322Thr).

NM_001004334.4(GPR179):c.3964C>A (p.Pro1322Thr)

Gene: GPR179 (G protein-coupled receptor 179; minus strand). Cytogenetic location: 17q12.
Variant type: single nucleotide variant.
Coding change: c.3964C>A on transcript NM_001004334.4 (MANE Select); coding-DNA position 3964, C replaced by A.
Protein change: p.Pro1322Thr; replaces proline 1322 with threonine.
Molecular consequence: missense variant.
Genome position (GRCh38, 1-based): chr17:38,329,605, G>T on the plus strand (C>A on the coding strand, the complement: GPR179 is on the minus strand). VCF-style: chr17-38329605-G-T. GRCh37 (hg19) VCF-style: chr17-36485488-G-T.
Other names: short protein forms P1322T.
Identifiers: ClinVar variation 1904083 (VCV001904083.5), dbSNP rs756525313, ClinGen allele CA290104548.